The following is an entry in ClinVar:

ClinVar aggregate classification (germline): Uncertain significance (1 of 4 stars; one submission).

Submission:

GeneDx
Classification: Uncertain significance. Last evaluated: 2026-03-18. Review status: criteria provided, single submitter. Criteria: GeneDx Variant Classification Process June 2021. Collection method: clinical testing. Allele origin: germline.
Comment: Not observed at significant frequency in large population cohorts (gnomAD); In silico analysis supports that this missense variant has a deleterious effect on protein structure/function; Has not been previously published as pathogenic or benign to our knowledge

NM_002875.5(RAD51):c.917G>T (p.Arg306Ile)

Gene: RAD51 (RAD51 recombinase; plus strand). Cytogenetic location: 15q15.1.
Variant type: single nucleotide variant.
Coding change: c.917G>T on transcript NM_002875.5 (MANE Select); coding-DNA position 917, G replaced by T.
Protein change: p.Arg306Ile; replaces arginine 306 with isoleucine.
Molecular consequence: missense variant.
Genome position (GRCh38, 1-based): chr15:40,731,075, G>T. VCF-style: chr15-40731075-G-T. GRCh37 (hg19) VCF-style: chr15-41023273-G-T.
Other names: c.920G>T, p.Arg307Ile (NM_001164269.2, NM_133487.4); c.795G>T, p.Lys265Asn (NM_001164270.2); short protein forms K265N, R307I, R306I.
Identifiers: ClinVar variation 5009422 (VCV005009422.1).